The following is an entry in ClinVar:

NM_000551.4(VHL):c.574C>A (p.Pro192Thr)

Genes: VHL (von Hippel-Lindau tumor suppressor; plus strand), LOC107303340 (3p25 von Hippel-Lindau tumor suppressor, E3 ubiquitin protein ligase Alu-mediated recombination region; plus strand). Cytogenetic location: 3p25.3.
Variant type: single nucleotide variant.
Coding change: c.574C>A on transcript NM_000551.4 (MANE Select); coding-DNA position 574, C replaced by A.
Protein change: p.Pro192Thr; replaces proline 192 with threonine.
Molecular consequence: missense variant. On other transcripts: 3 prime UTR variant (1).
Genome position (GRCh38, 1-based): chr3:10,149,897, C>A. VCF-style: chr3-10149897-C-A. GRCh37 (hg19) VCF-style: chr3-10191581-C-A.
Other names: c.*128C>A (NM_001354723.2); c.451C>A, p.Pro151Thr (NM_198156.3); short protein forms P151T, P192T.
Identifiers: ClinVar variation 1488572 (VCV001488572.9), dbSNP rs28940300, ClinGen allele CA351756433.

ClinVar aggregate classification (germline): Conflicting classifications of pathogenicity. Review status: criteria provided, conflicting classifications (1 of 4 stars). 2 submissions from 2 submitters: Likely pathogenic (1); Uncertain significance (1). Last evaluated 2023-05-10.

Conditions:
Von Hippel-Lindau syndrome (VHLS). Also called: Von Hippel-Lindau; von Hippel–Lindau syndrome; VHL syndrome. Identifiers: Orphanet 892, MedGen C0019562, MONDO:0008667, OMIM 193300. Disease mechanism: loss of function.
Chuvash polycythemia. Also called: POLYCYTHEMIA, VHL-DEPENDENT. Identifiers: Orphanet 238557, MedGen C1837915, MONDO:0009892, OMIM 263400.

Submissions (2):

Baylor Genetics
Classification: Uncertain significance for Chuvash polycythemia. Last evaluated: 2023-05-10. Review status: criteria provided, single submitter. Criteria: ACMG Guidelines, 2015. Collection method: clinical testing. Allele origin: unknown.

Labcorp Genetics (formerly Invitae), Labcorp
Classification: Likely pathogenic for Von Hippel-Lindau syndrome; Chuvash polycythemia. Last evaluated: 2021-04-23. Review status: criteria provided, single submitter. Criteria: Invitae Variant Classification Sherloc (09022015). Collection method: clinical testing. Allele origin: germline.
Comment: This variant is not present in population databases (ExAC no frequency). This variant has been observed in individual(s) with bilateral pheochromocytoma (Invitae). Advanced modeling of protein sequence and biophysical properties (such as structural, functional, and spatial information, amino acid conservation, physicochemical variation, residue mobility, and thermodynamic stability) performed at Invitae indicates that this missense variant is expected to disrupt VHL protein function. This variant disrupts the p.Pro192 amino acid residue in VHL. Other variant(s) that disrupt this residue have been determined to be pathogenic (PMID: 19558618, Invitae). This suggests that this residue is clinically significant, and that variants that disrupt this residue are likely to be disease-causing. In summary, the currently available evidence indicates that the variant is pathogenic, but additional data are needed to prove that conclusively. Therefore, this variant has been classified as Likely Pathogenic. This sequence change replaces proline with threonine at codon 192 of the VHL protein (p.Pro192Thr). The proline residue is highly conserved and there is a small physicochemical difference between proline and threonine.

Literature cited by the submitters: PubMed 19558618 (cited by Labcorp Genetics (formerly Invitae), Labcorp).